The following is an entry in ClinVar:

NM_005732.4(RAD50):c.1720A>C (p.Lys574Gln)

Gene: RAD50 (RAD50 double strand break repair protein; plus strand). Cytogenetic location: 5q31.1.
Variant type: single nucleotide variant.
Coding change: c.1720A>C on transcript NM_005732.4 (MANE Select); coding-DNA position 1720, A replaced by C.
Protein change: p.Lys574Gln; replaces lysine 574 with glutamine.
Molecular consequence: missense variant.
Genome position (GRCh38, 1-based): chr5:132,591,961, A>C. VCF-style: chr5-132591961-A-C. GRCh37 (hg19) VCF-style: chr5-131927653-A-C.
Other names: short protein forms K574Q.
Identifiers: ClinVar variation 186054 (VCV000186054.18), dbSNP rs779597467, ClinGen allele CA193744.
Genomic context (GRCh38, chr5:132,591,961, plus strand): 5'-AAAATAAAATCTAGGCACAGTGATGAATTAACCTCACTGTTGGGATATTTTCCCAACAAA[A>C]AACAGCTTGAAGACTGGCTACATAGTAAATCAAAAGAAATTAATCAGACCAGGGACAGAC-3'
Protein context (NP_005723.2, residues 564-584): TSLLGYFPNK[Lys574Gln]QLEDWLHSKS

ClinVar aggregate classification (germline): Conflicting classifications of pathogenicity. Review status: criteria provided, conflicting classifications (1 of 4 stars). 3 submissions from 3 submitters: Uncertain significance (2); Benign (1). Last evaluated 2025-12-16.

Conditions:
Hereditary cancer-predisposing syndrome. Also called: Hereditary neoplastic syndrome; Neoplastic Syndromes, Hereditary; Tumor predisposition; Hereditary Cancer Syndrome. Identifiers: Orphanet 140162, MedGen C0027672, MeSH D009386, MONDO:0015356.
Nijmegen breakage syndrome-like disorder (NBSLD). Also called: MICROCEPHALY AND SPONTANEOUS CHROMOSOME INSTABILITY WITHOUT IMMUNODEFICIENCY; NBS-LIKE DISORDER; RAD50 DEFICIENCY. Identifiers: Orphanet 240760, MedGen C2751318, MONDO:0013118, OMIM 613078.

Allele frequency attached by ClinVar (database versions not stated): ExAC 0.00001; gnomAD exomes 0.00001 and 0.00003; gnomAD 0.00002; TOPMed 0.00002.
gnomAD v4.1: 56 of 1,612,534 alleles (0.0035%); highest among the groups gnomAD compares: Non-Finnish European, 0.0043%; no homozygotes.

Submissions (3):

Labcorp Genetics (formerly Invitae), Labcorp
Classification: Benign for Hereditary cancer-predisposing syndrome. Last evaluated: 2025-12-16. Review status: criteria provided, single submitter. Criteria: Invitae Variant Classification Sherloc (09022015). Collection method: clinical testing. Allele origin: germline.

Ambry Genetics
Classification: Uncertain significance for Hereditary cancer-predisposing syndrome. Last evaluated: 2024-10-14. Review status: criteria provided, single submitter. Criteria: Ambry Variant Classification Scheme 2023. Collection method: clinical testing. Allele origin: germline.
Comment: The p.K574Q variant (also known as c.1720A>C), located in coding exon 11 of the RAD50 gene, results from an A to C substitution at nucleotide position 1720. The lysine at codon 574 is replaced by glutamine, an amino acid with similar properties. This amino acid position is not well conserved in available vertebrate species. In addition, this alteration is predicted to be tolerated by in silico analysis. Based on the available evidence, the clinical significance of this variant remains unclear.

Baylor Genetics
Classification: Uncertain significance for Nijmegen breakage syndrome-like disorder. Last evaluated: 2023-06-30. Review status: criteria provided, single submitter. Criteria: ACMG Guidelines, 2015. Collection method: clinical testing. Allele origin: unknown.